The following is an entry in ClinVar:

NM_007126.5(VCP):c.115G>A (p.Val39Met)

Gene: VCP (valosin containing protein; minus strand). Cytogenetic location: 9p13.3.
Variant type: single nucleotide variant.
Coding change: c.115G>A on transcript NM_007126.5 (MANE Select); coding-DNA position 115, G replaced by A.
Protein change: p.Val39Met; replaces valine 39 with methionine.
Molecular consequence: missense variant. On other transcripts: 5 prime UTR variant (2).
Genome position (GRCh38, 1-based): chr9:35,068,265, C>T on the plus strand (G>A on the coding strand, the complement: VCP is on the minus strand). VCF-style: chr9-35068265-C-T. GRCh37 (hg19) VCF-style: chr9-35068262-C-T.
Other names: c.-21G>A (NM_001354927.2, NM_001354928.2); short protein forms V39M.
Identifiers: ClinVar variation 3754387 (VCV003754387.2).

ClinVar aggregate classification (germline): Uncertain significance (1 of 4 stars; one submission).

Conditions:
Frontotemporal dementia and/or amyotrophic lateral sclerosis 6 (FTDALS6). Also called: VCP-Related Amyotrophic Lateral Sclerosis; VCP-Related Amyotrophic Lateral Sclerosis/Frontotemporal Dementia. Identifiers: Orphanet 275872, Orphanet 803, MedGen C5436279, MONDO:0013501, OMIM 613954.
Inclusion body myopathy with Paget disease of bone and frontotemporal dementia. Also called: Inclusion body myopathy with early-onset Paget disease and frontotemporal dementia. Identifiers: Orphanet 52430, MedGen C1833662, MONDO:0000507.

gnomAD v4.1: 1 of 1,613,844 alleles (0.000062%); highest among the groups gnomAD compares: Non-Finnish European, 0.000085%; no homozygotes.

Submission:

Labcorp Genetics (formerly Invitae), Labcorp
Classification: Uncertain significance for Inclusion body myopathy with Paget disease of bone and frontotemporal dementia; Frontotemporal dementia and/or amyotrophic lateral sclerosis 6. Last evaluated: 2024-02-03. Review status: criteria provided, single submitter. Criteria: Invitae Variant Classification Sherloc (09022015). Collection method: clinical testing. Allele origin: germline.
Comment: This sequence change replaces valine, which is neutral and non-polar, with methionine, which is neutral and non-polar, at codon 39 of the VCP protein (p.Val39Met). This variant is not present in population databases (gnomAD no frequency). This variant has not been reported in the literature in individuals affected with VCP-related conditions. An algorithm developed to predict the effect of missense changes on protein structure and function (PolyPhen-2) suggests that this variant is likely to be disruptive. In summary, the available evidence is currently insufficient to determine the role of this variant in disease. Therefore, it has been classified as a Variant of Uncertain Significance.